The following is an entry in ClinVar:

ClinVar aggregate classification (germline): Uncertain significance (0 of 4 stars; one submission).

Conditions:
PKD1-related disorder. Also called: PKD1-related condition.

gnomAD v4.1: 3 of 1,595,968 alleles (0.00019%); highest among the groups gnomAD compares: South Asian, 0.0022%; no homozygotes.

Submission:

PreventionGenetics, part of Exact Sciences
Classification: Uncertain significance for PKD1-related condition. Last evaluated: 2024-04-09. Review status: no assertion criteria provided. Collection method: clinical testing. Allele origin: germline.
Comment: The PKD1 c.2518A>G variant is predicted to result in the amino acid substitution p.Thr840Ala. To our knowledge, this variant has not been reported in the literature or in a large population database, indicating this variant is rare. At this time, the clinical significance of this variant is uncertain due to the absence of conclusive functional and genetic evidence.

NM_001009944.3(PKD1):c.2518A>G (p.Thr840Ala)

Gene: PKD1 (polycystin 1, transient receptor potential channel interacting; minus strand). Cytogenetic location: 16p13.3.
Variant type: single nucleotide variant.
Coding change: c.2518A>G on transcript NM_001009944.3 (MANE Select); coding-DNA position 2518, A replaced by G.
Protein change: p.Thr840Ala; replaces threonine 840 with alanine.
Molecular consequence: missense variant.
Genome position (GRCh38, 1-based): chr16:2,114,505, T>C on the plus strand (A>G on the coding strand, the complement: PKD1 is on the minus strand). VCF-style: chr16-2114505-T-C. GRCh37 (hg19) VCF-style: chr16-2164506-T-C.
Other names: c.2518A>G, p.Thr840Ala (NM_000296.4); short protein forms T840A.
Identifiers: ClinVar variation 3346681 (VCV003346681.1).